The following is an entry in ClinVar:

ClinVar aggregate classification (germline): Pathogenic/Likely pathogenic. Review status: criteria provided, multiple submitters, no conflicts (2 of 4 stars). 5 submissions from 5 submitters: Pathogenic (4); Likely pathogenic (1). Last evaluated 2025-02-07.

Conditions:
Hereditary cancer-predisposing syndrome. Also called: Tumor predisposition; Hereditary Cancer Syndrome; Neoplastic Syndromes, Hereditary; Hereditary neoplastic syndrome. Identifiers: Orphanet 140162, MedGen C0027672, MeSH D009386, MONDO:0015356.
Familial cancer of breast. Also called: Hereditary breast cancer; hereditary breast carcinoma; BREAST CANCER, FAMILIAL. Identifiers: Orphanet 227535, MedGen C0346153, MONDO:0016419, OMIM 114480. Disease mechanism: loss of function.
Ataxia-telangiectasia syndrome (AT). Also called: Cerebello-oculocutaneous telangiectasia; Immunodeficiency with ataxia telangiectasia; Ataxia-telangiectasia, complementation group D; AT, COMPLEMENTATION GROUP C; Ataxia-telangiectasia, complementation group E; LOUIS-BAR SYNDROME. Identifiers: Orphanet 100, MedGen C0004135, MONDO:0008840, OMIM 208900.

Submissions (5):

Labcorp Genetics (formerly Invitae), Labcorp
Classification: Pathogenic for Ataxia-telangiectasia syndrome. Last evaluated: 2025-02-07. Review status: criteria provided, single submitter. Criteria: Invitae Variant Classification Sherloc (09022015). Collection method: clinical testing. Allele origin: germline.
Comment: This sequence change creates a premature translational stop signal (p.Ser1165Glyfs*5) in the ATM gene. It is expected to result in an absent or disrupted protein product. Loss-of-function variants in ATM are known to be pathogenic (PMID: 23807571, 25614872). This variant is not present in population databases (gnomAD no frequency). This variant has not been reported in the literature in individuals affected with ATM-related conditions. ClinVar contains an entry for this variant (Variation ID: 453469). RNA analysis performed to evaluate the impact of this premature translational stop signal on mRNA splicing indicates it does not significantly alter splicing (internal data). For these reasons, this variant has been classified as Pathogenic.

Ambry Genetics
Classification: Pathogenic for Hereditary cancer-predisposing syndrome. Last evaluated: 2024-03-14. Review status: criteria provided, single submitter. Criteria: Ambry Variant Classification Scheme 2023. Collection method: clinical testing. Allele origin: germline.
Comment: The c.3480_3492dup13 variant, located in coding exon 23 of the ATM gene, results from a duplication of GGTTTTATCCTGT at nucleotide position 3480, causing a translational frameshift with a predicted alternate stop codon (p.S1165Gfs*5). This alteration is expected to result in loss of function by premature protein truncation or nonsense-mediated mRNA decay. As such, this alteration is interpreted as a disease-causing mutation.

Baylor Genetics
Classification: Likely pathogenic for Familial cancer of breast. Last evaluated: 2024-03-04. Review status: criteria provided, single submitter. Criteria: ACMG Guidelines, 2015. Collection method: clinical testing. Allele origin: unknown.

Myriad Genetics, Inc.
Classification: Pathogenic for Familial cancer of breast. Last evaluated: 2024-01-22. Review status: criteria provided, single submitter. Criteria: Myriad Autosomal Dominant, Autosomal Recessive and X-Linked Classification Criteria (2023). Collection method: clinical testing. Allele origin: unknown.
Comment: This variant is considered pathogenic. This variant creates a frameshift predicted to result in premature protein truncation.

Molecular Diagnostics Laboratory, M Health Fairview: University of Minnesota
Classification: Pathogenic for Familial cancer of breast. Last evaluated: 2021-11-16. Review status: criteria provided, single submitter. Criteria: ACMG Guidelines, 2015. Collection method: clinical testing. Allele origin: germline. Affected: yes.

Literature cited by the submitters: PubMed 23807571 (cited by Labcorp Genetics (formerly Invitae), Labcorp); PubMed 25614872 (cited by Labcorp Genetics (formerly Invitae), Labcorp).

NM_000051.4(ATM):c.3480_3492dup (p.Ser1165delinsGlyPheIleLeuTer)

Gene: ATM (ATM serine/threonine kinase; plus strand). Cytogenetic location: 11q22.3.
Variant type: Duplication.
Coding change: c.3480_3492dup on transcript NM_000051.4 (MANE Select); coding-DNA positions 3480 to 3492, 13 bases duplicated (GGTTTTATCCTGT).
Protein change: p.Ser1165delinsGlyPheIleLeuTer.
Molecular consequence: nonsense.
Genome position (GRCh38, 1-based): chr11:108,281,072-108,281,084, GGTTTTATCCTGT duplicated; duplicating any 13 consecutive bases within chr11:108,281,068-108,281,084 gives the same sequence; the c. name uses the placement nearest the transcript's 3' end. VCF-style (leftmost placement, unchanged base first): chr11-108281067-G-GCTGTGGTTTTATC. GRCh37 (hg19) VCF-style: chr11-108151794-G-GCTGTGGTTTTATC.
Other names: p.Ser1165Glyfs*5; c.3480_3492dupGGTTTTATCCTGT (NM_000051.3); c.3480_3492dup, p.Ser1165delinsGlyPheIleLeuTer (NM_001351834.2).
Identifiers: ClinVar variation 453469 (VCV000453469.13), dbSNP rs1555091238, ClinGen allele CA658656206.
Genomic context (GRCh38, chr11:108,281,067, plus strand): 5'-GAGAACCCTGAAACTTTGGATGAAATTTATAATAGAAAATCTGTTTTACTGACGTTGATA[G>GCTGTGGTTTTATC]CTGTGGTTTTATCCTGTAGCCCTATCTGCGAAAAACAGGCTTTGTTTGCCCTGTGTAAAT-3'